The following is an entry in ClinVar:

NM_016239.4(MYO15A):c.7409C>A (p.Thr2470Asn)

Gene: MYO15A (myosin XVA; plus strand). Cytogenetic location: 17p11.2.
Variant type: single nucleotide variant.
Coding change: c.7409C>A on transcript NM_016239.4 (MANE Select); coding-DNA position 7409, C replaced by A.
Protein change: p.Thr2470Asn; replaces threonine 2470 with asparagine.
Molecular consequence: missense variant.
Genome position (GRCh38, 1-based): chr17:18,150,849, C>A. VCF-style: chr17-18150849-C-A. GRCh37 (hg19) VCF-style: chr17-18054163-C-A.
Other names: short protein forms T2470N.
Identifiers: ClinVar variation 3893428 (VCV003893428.1).
Genomic context (GRCh38, chr17:18,150,849, plus strand): 5'-GGGGTGGAGAATGGACCTGCCTGGTCACCACTGCCACCTCTCCCCAGGCCCGGGAGATGA[C>A]CCTGCAGGCCACGGCACTCCAGCAGCAGCCCCTGAGTGCTGCCCTGAGATCCTTGCCCGC-3'
Protein context (NP_057323.3, residues 2460-2480): KQAVLLAREM[Thr2470Asn]LQATALQQQP

ClinVar aggregate classification (germline): Uncertain significance (1 of 4 stars; one submission).

gnomAD v4.1: 1 of 1,595,780 alleles (0.000063%); highest among the groups gnomAD compares: Admixed American, 0.0017%; no homozygotes.

Submission:

GeneDx
Classification: Uncertain significance. Last evaluated: 2024-10-23. Review status: criteria provided, single submitter. Criteria: GeneDx Variant Classification Process June 2021. Collection method: clinical testing. Allele origin: germline. Affected: yes.
Comment: Not observed at significant frequency in large population cohorts (gnomAD); In silico analysis indicates that this missense variant does not alter protein structure/function; Has not been previously published as pathogenic or benign to our knowledge